The following is an entry in ClinVar:

NM_014625.4(NPHS2):c.298dup (p.Ala100fs)

Gene: NPHS2 (NPHS2 stomatin family member, podocin; minus strand). Cytogenetic location: 1q25.2.
Variant type: Duplication.
Coding change: c.298dup on transcript NM_014625.4 (MANE Select); coding-DNA position 298, one base duplicated (G; older notation c.298dupG).
Protein change: p.Ala100fs; shifts the reading frame from alanine 100.
Molecular consequence: frameshift variant.
Genome position (GRCh38, 1-based): chr1:179,564,770, C duplicated on the plus strand (G on the coding strand, the reverse complement: NPHS2 is on the minus strand); the first of 4 consecutive C bases (chr1:179,564,770-179,564,773); duplicating any one gives the same sequence. VCF-style (leftmost placement, unchanged base first): chr1-179564769-G-GC. GRCh37 (hg19) VCF-style: chr1-179533904-G-GC.
Other names: c.298dup, p.Ala100fs (NM_001297575.2); short protein forms A100fs.
Identifiers: ClinVar variation 5012220 (VCV005012220.1).

ClinVar aggregate classification (germline): Pathogenic (1 of 4 stars; one submission).

Conditions:
Nephrotic syndrome, type 2 (NPHS2). Also called: NEPHROTIC SYNDROME, STEROID-RESISTANT, AUTOSOMAL RECESSIVE. Identifiers: Orphanet 656, MedGen C1868672, MONDO:0010974, OMIM 600995.

Submission:

Myriad Genetics, Inc.
Classification: Pathogenic for Nephrotic syndrome, type 2. Last evaluated: 2023-09-27. Review status: criteria provided, single submitter. Criteria: Myriad Autosomal Dominant, Autosomal Recessive and X-Linked Classification Criteria (2023). Collection method: clinical testing. Allele origin: unknown.
Comment: NM_014625.2(NPHS2):c.298dupG(A100Gfs*3) is expected to be pathogenic in the context of nephrotic syndrome, NPHS2-related. This variant is predicted to lead to an abnormal or absent protein product due to the creation of a premature termination codon in NPHS2, a gene where loss-of-function variants are known to be pathogenic. Please note: this variant was assessed in the context of healthy population screening.